The following is an entry in ClinVar:

ClinVar aggregate classification (germline): Uncertain significance (1 of 4 stars; one submission).

Conditions:
Combined immunodeficiency due to DOCK8 deficiency (HIES2). Also called: HIES autosomal recessive; Hyper-IgE recurrent infection syndrome, autosomal recessive; DOCK8 Deficiency; HYPER-IgE RECURRENT INFECTION SYNDROME 2, AUTOSOMAL RECESSIVE; HYPER-IgE SYNDROME 2, AUTOSOMAL RECESSIVE, WITH RECURRENT INFECTIONS. Identifiers: Orphanet 217390, MedGen C4722305, MONDO:0009478, OMIM 243700.

Allele frequency attached by ClinVar (database versions not stated): gnomAD exomes 0.00001 and 0.00002; gnomAD 0.00004; TOPMed 0.00004.

Submission:

Labcorp Genetics (formerly Invitae), Labcorp
Classification: Uncertain significance for Combined immunodeficiency due to DOCK8 deficiency. Last evaluated: 2022-03-19. Review status: criteria provided, single submitter. Criteria: Invitae Variant Classification Sherloc (09022015). Collection method: clinical testing. Allele origin: germline.
Comment: In summary, the available evidence is currently insufficient to determine the role of this variant in disease. Therefore, it has been classified as a Variant of Uncertain Significance. Algorithms developed to predict the effect of missense changes on protein structure and function (SIFT, PolyPhen-2, Align-GVGD) all suggest that this variant is likely to be tolerated. This variant has not been reported in the literature in individuals affected with DOCK8-related conditions. This variant is present in population databases (no rsID available, gnomAD 0.01%). This sequence change replaces aspartic acid, which is acidic and polar, with tyrosine, which is neutral and polar, at codon 1318 of the DOCK8 protein (p.Asp1318Tyr).

NM_203447.4(DOCK8):c.3952G>T (p.Asp1318Tyr)

Gene: DOCK8 (dedicator of cytokinesis 8; plus strand). Cytogenetic location: 9p24.3.
Variant type: single nucleotide variant.
Coding change: c.3952G>T on transcript NM_203447.4 (MANE Select); coding-DNA position 3952, G replaced by T.
Protein change: p.Asp1318Tyr; replaces aspartic acid 1318 with tyrosine.
Molecular consequence: missense variant.
Genome position (GRCh38, 1-based): chr9:420,512, G>T. VCF-style: chr9-420512-G-T. GRCh37 (hg19) VCF-style: chr9-420512-G-T.
Other names: c.3652G>T, p.Asp1218Tyr (NM_001190458.2); c.3748G>T, p.Asp1250Tyr (NM_001193536.2); short protein forms D1250Y, D1218Y, D1318Y.
Identifiers: ClinVar variation 1360355 (VCV001360355.8), dbSNP rs1342441151, ClinGen allele CA372763977.